The following is an entry in ClinVar:

NM_002471.4(MYH6):c.4109T>A (p.Val1370Glu)

Gene: MYH6 (myosin heavy chain 6; minus strand). Cytogenetic location: 14q11.2.
Variant type: single nucleotide variant.
Coding change: c.4109T>A on transcript NM_002471.4 (MANE Select); coding-DNA position 4109, T replaced by A.
Protein change: p.Val1370Glu; replaces valine 1370 with glutamic acid.
Molecular consequence: missense variant.
Genome position (GRCh38, 1-based): chr14:23,388,925, A>T on the plus strand (T>A on the coding strand, the complement: MYH6 is on the minus strand). VCF-style: chr14-23388925-A-T. GRCh37 (hg19) VCF-style: chr14-23858134-A-T.
Other names: short protein forms V1370E.
Identifiers: ClinVar variation 1737900 (VCV001737900.2), dbSNP rs1891132691, ClinGen allele CA389001804.

ClinVar aggregate classification (germline): Uncertain significance (1 of 4 stars; one submission).

Conditions:
Cardiovascular phenotype. Identifiers: MedGen CN230736.

Allele frequency attached by ClinVar (database versions not stated): gnomAD exomes below 0.00001.
gnomAD v4.1: 2 of 1,613,486 alleles (0.00012%); highest among the groups gnomAD compares: Non-Finnish European, 0.00017%; no homozygotes.

Submission:

Ambry Genetics
Classification: Uncertain significance for Cardiovascular phenotype. Last evaluated: 2021-06-23. Review status: criteria provided, single submitter. Criteria: Ambry Variant Classification Scheme 2023. Collection method: clinical testing. Allele origin: germline.
Comment: The p.V1370E variant (also known as c.4109T>A), located in coding exon 27 of the MYH6 gene, results from a T to A substitution at nucleotide position 4109. The valine at codon 1370 is replaced by glutamic acid, an amino acid with dissimilar properties. This amino acid position is conserved. In addition, this alteration is predicted to be deleterious by in silico analysis. Since supporting evidence is limited at this time, the clinical significance of this alteration remains unclear.